The following is an entry in ClinVar:

ClinVar aggregate classification (germline): Likely benign. Review status: criteria provided, single submitter (1 of 4 stars). 2 submissions from 2 submitters: Likely benign (1). 1 of the submissions does not count toward it. Last evaluated 2022-12-15.

Conditions:
COL11A2-related disorder. Also called: COL11A2-related condition; COL11A2-related disorders.

Allele frequency attached by ClinVar (database versions not stated): ExAC 0.00002; gnomAD 0.00002.
gnomAD v4.1: 105 of 1,611,060 alleles (0.0065%); highest among the groups gnomAD compares: Non-Finnish European, 0.0082%; no homozygotes.

Submissions (2):

Blueprint Genetics
Classification: Likely benign. Last evaluated: 2022-12-15. Review status: criteria provided, single submitter. Criteria: ACMG Guidelines, 2015. Collection method: clinical testing. Allele origin: germline.

PreventionGenetics, part of Exact Sciences
Classification: Likely benign for COL11A2-related condition. Last evaluated: 2021-08-10. Review status: no assertion criteria provided. Collection method: clinical testing. Allele origin: germline. Not counted in ClinVar's aggregate classification.
Comment: This variant is classified as likely benign based on ACMG/AMP sequence variant interpretation guidelines (Richards et al. 2015 PMID: 25741868, with internal and published modifications).

NM_080680.3(COL11A2):c.4599C>G (p.Ala1533=)

Gene: COL11A2 (collagen type XI alpha 2 chain; minus strand). Cytogenetic location: 6p21.32.
Variant type: single nucleotide variant.
Coding change: c.4599C>G on transcript NM_080680.3 (MANE Select); coding-DNA position 4599, C replaced by G.
Protein change: p.Ala1533=; no amino-acid change (alanine 1533 retained).
Molecular consequence: synonymous variant.
Genome position (GRCh38, 1-based): chr6:33,165,700, G>C on the plus strand (C>G on the coding strand, the complement: COL11A2 is on the minus strand). VCF-style: chr6-33165700-G-C. GRCh37 (hg19) VCF-style: chr6-33133477-G-C.
Other names: c.4419C>G, p.Ala1473= (NM_001424108.1); c.3753C>G, p.Ala1251= (NM_001424109.1); c.3573C>G, p.Ala1191= (NM_001424110.1, NM_001424111.1); c.2553C>G, p.Ala851= (NM_001424112.1); c.4278C>G, p.Ala1426= (NM_080679.3); c.4341C>G, p.Ala1447= (NM_080681.3).
Identifiers: ClinVar variation 3030712 (VCV003030712.3), dbSNP rs759814552, ClinGen allele CA3750041.
Genomic context (GRCh38, chr6:33,165,700, plus strand): 5'-CTCCTCCCGCAGGGAGTCGAGTGAGCCAAAGATCTCCTCCAGCCCCCCAGGACTGCCGGG[G>C]GCTCCCCCGGTCGGTATGGCCTCATCTTCCTGCATCAGACGGCTTCCATCCACCGAGCGC-3'
Protein context (NP_542411.2, residues 1523-1543): QEDEAIPTGG[Ala1533=]PGSPGGLEEI